The following is an entry in ClinVar:

NM_182641.4(BPTF):c.4411A>G (p.Ile1471Val)

Gene: BPTF (bromodomain PHD finger transcription factor; plus strand). Cytogenetic location: 17q24.2.
Variant type: single nucleotide variant.
Coding change: c.4411A>G on transcript NM_182641.4 (MANE Select); coding-DNA position 4411, A replaced by G.
Protein change: p.Ile1471Val; replaces isoleucine 1471 with valine.
Molecular consequence: missense variant.
Genome position (GRCh38, 1-based): chr17:67,912,295, A>G. VCF-style: chr17-67912295-A-G. GRCh37 (hg19) VCF-style: chr17-65908411-A-G.
Other names: c.4789A>G, p.Ile1597Val (NM_004459.7); short protein forms I1471V, I1597V.
Identifiers: ClinVar variation 3355426 (VCV003355426.1).

ClinVar aggregate classification (germline): Uncertain significance (0 of 4 stars; one submission).

Conditions:
BPTF-related disorder. Also called: BPTF-related condition.

gnomAD v4.1: 1 of 1,613,900 alleles (0.000062%); highest among the groups gnomAD compares: Non-Finnish European, 0.000085%; no homozygotes.

Submission:

PreventionGenetics, part of Exact Sciences
Classification: Uncertain significance for BPTF-related condition. Last evaluated: 2024-03-07. Review status: no assertion criteria provided. Collection method: clinical testing. Allele origin: germline.
Comment: The BPTF c.4411A>G variant is predicted to result in the amino acid substitution p.Ile1471Val. To our knowledge, this variant has not been reported in the literature or in a large population database, indicating this variant is rare. At this time, the clinical significance of this variant is uncertain due to the absence of conclusive functional and genetic evidence.